The following is an entry in ClinVar:

NM_001023.4(RPS20):c.138_140del (p.Lys46del)

Gene: RPS20 (ribosomal protein S20; minus strand). Cytogenetic location: 8q12.1.
Variant type: Deletion.
Coding change: c.138_140del on transcript NM_001023.4 (MANE Select); coding-DNA positions 138 to 140, 3 bases deleted (GAA; older notation c.138_140delGAA).
Protein change: p.Lys46del; deletes lysine 46.
Molecular consequence: inframe deletion.
Genome position (GRCh38, 1-based): chr8:56,073,732-56,073,734, TTC deleted on the plus strand (GAA on the coding strand, the reverse complement: RPS20 is on the minus strand); deleting any 3 consecutive bases within chr8:56,073,732-56,073,736 gives the same sequence; the c. name uses the placement nearest the transcript's 3' end. VCF-style (leftmost placement, unchanged base first): chr8-56073731-ATTC-A. GRCh37 (hg19) VCF-style: chr8-56986290-ATTC-A.
Other names: c.138_140delGAA (NM_001023.3); c.138_140del, p.Lys46del (NM_001146227.3); short protein forms K46del.
Identifiers: ClinVar variation 648484 (VCV000648484.11), dbSNP rs780657304, ClinGen allele CA4754371.
Genomic context (GRCh38, chr8:56,073,731, plus strand): 5'-TCCTGCCCCTCCGATTTACTTTACCTTGGTAGGCATTCGAACTGGTCCTTTCACTTTGAG[ATTC>A]TTTTCTTTTGCGCCTCTTATCAAGTCAGCACACACTACAGGAAATAAAAGACCTCTCAGT-3'

ClinVar aggregate classification (germline): Uncertain significance. Review status: criteria provided, multiple submitters, no conflicts (2 of 4 stars). 2 submissions from 2 submitters: Uncertain significance (2). Last evaluated 2025-06-16.

Submissions (2):

Ambry Genetics
Classification: Uncertain significance. Last evaluated: 2025-06-16. Review status: criteria provided, single submitter. Criteria: Ambry Variant Classification Scheme 2023. Collection method: clinical testing. Allele origin: germline.
Comment: The c.138_140delGAA variant (also known as p.K46del) is located in coding exon 3 of the RPS20 gene. This variant results from an in-frame GAA deletion at nucleotide positions 138 to 140. This results in the in-frame deletion of a lysine at codon 46. This amino acid position is highly conserved in available vertebrate species. In addition, this variant is predicted to be deleterious by in silico analysis (Choi Y et al. PLoS ONE. 2012; 7(10):e46688). Based on the available evidence, the clinical significance of this variant remains unclear.

Labcorp Genetics (formerly Invitae), Labcorp
Classification: Uncertain significance. Last evaluated: 2024-06-13. Review status: criteria provided, single submitter. Criteria: Invitae Variant Classification Sherloc (09022015). Collection method: clinical testing. Allele origin: germline.
Comment: This variant, c.138_140del, results in the deletion of 1 amino acid(s) of the RPS20 protein (p.Lys46del), but otherwise preserves the integrity of the reading frame. This variant is present in population databases (rs780657304, gnomAD 0.004%). This variant has not been reported in the literature in individuals affected with RPS20-related conditions. ClinVar contains an entry for this variant (Variation ID: 648484). Experimental studies and prediction algorithms are not available or were not evaluated, and the functional significance of this variant is currently unknown. In summary, the available evidence is currently insufficient to determine the role of this variant in disease. Therefore, it has been classified as a Variant of Uncertain Significance.